The following is an entry in ClinVar:

NM_001130987.2(DYSF):c.334C>T (p.Gln112Ter)

Gene: DYSF (dysferlin; plus strand). Cytogenetic location: 2p13.2.
Variant type: single nucleotide variant.
Coding change: c.334C>T on transcript NM_001130987.2 (MANE Select); coding-DNA position 334, C replaced by T.
Protein change: p.Gln112Ter; replaces glutamine 112 with a stop codon.
Molecular consequence: nonsense.
Genome position (GRCh38, 1-based): chr2:71,503,308, C>T. VCF-style: chr2-71503308-C-T. GRCh37 (hg19) VCF-style: chr2-71730438-C-T.
Other names: NM_001130987.2(DYSF):c.334C>T; c.334C>T, p.Gln112Ter (NM_001130455.2, NM_001130982.2, NM_001130983.2 and 3 more transcripts); c.331C>T, p.Gln111Ter (NM_001130976.2, NM_001130977.2, NM_001130978.2 and 4 more transcripts); short protein forms Q111*, Q112*.
Identifiers: ClinVar variation 265108 (VCV000265108.40), dbSNP rs746315830, ClinGen allele CA10588346.

ClinVar aggregate classification (germline): Pathogenic. Review status: reviewed by expert panel (3 of 4 stars). 11 submissions from 10 submitters: Pathogenic (1). 10 of the submissions do not count toward it. Last evaluated 2025-07-29.

Conditions:
Miyoshi muscular dystrophy 1 (MMD1). Identifiers: Orphanet 45448, MedGen C4551973, MONDO:0024545, OMIM 254130.
Autosomal recessive limb-girdle muscular dystrophy type 2B (LGMDR2). Also called: MUSCULAR DYSTROPHY, LIMB-GIRDLE, TYPE 3; Limb-girdle muscular dystrophy, type 2B; MUSCULAR DYSTROPHY, LIMB-GIRDLE, AUTOSOMAL RECESSIVE 2; Limb-Girdle Muscular Dystrophy Type 2B (LGMD2B). Identifiers: Orphanet 268, MedGen C1850889, MONDO:0009676, OMIM 253601.
Distal myopathy with anterior tibial onset. Identifiers: Orphanet 178400, MedGen C1847532, MONDO:0011721, OMIM 606768.
Autosomal recessive limb-girdle muscular dystrophy. Identifiers: Orphanet 102015, MedGen C2931907, MONDO:0015152.
Neuromuscular disease caused by qualitative or quantitative defects of dysferlin. Also called: Qualitative or quantitative defects of dysferlin; Dysferlinopathy. Identifiers: Orphanet 207073, MedGen C2931687, MONDO:0016145.

gnomAD v4.1: 1 of 1,614,158 alleles (0.000062%); highest among the groups gnomAD compares: Non-Finnish European, 0.000085%; no homozygotes.

Submissions (11):

ClinGen Limb Girdle Muscular Dystrophy Variant Curation Expert Panel, ClinGen
Classification: Pathogenic for Autosomal recessive limb-girdle muscular dystrophy. Last evaluated: 2025-07-29. Review status: reviewed by expert panel. Criteria: ClinGen LGMD VCEP ACMG Specifications DYSF V1.0.0. Collection method: curation. Allele origin: germline. Inheritance: Autosomal recessive inheritance.
Comment: The NM_003494.4: c.331C>T p.(Gln111Ter) variant in DYSF, which is also known as NM_001130987.2: c.334C>T p.(Gln112Ter), is a nonsense variant predicted to cause a premature stop codon in biologically relevant exon 4/55, leading to nonsense mediated decay in a gene in which loss of function is an established disease mechanism (PVS1). This variant has been reported in at least four unrelated patients with features of LGMD (PMID: 21522182, 36983702), including in a homozygous state in two unrelated patients without reported consanguinity (1.0 pt; PMID: 21522182) (PM3). It has also been observed to co-segregate with autosomal recessive LGMD in two affected family members from two families (PMID: 21522182; PP1_Moderate). At least one patient with this variant and two presumed diagnostic DYSF alleles had both progressive limb girdle muscle weakness or a clinical diagnosis of LGMD and severely reduced or absent dysferlin protein expression in skeletal muscle or blood monocytes, which is highly specific for DYSF-related LGMD (PMID: 21522182, 36983702; PP4_Moderate (capped with PP1). The highest population allele frequency for this variant in gnomAD v4.1.0 is 8.475e-7 in the European (non-Finnish) population (1/1179978 chromosomes), which is lower than the LGMD VCEP threshold for PM2_Supporting (0.0001), meeting this criterion (PM2_Supporting). In summary, this variant meets the criteria to be classified as Pathogenic for autosomal recessive limb girdle muscular dystrophy based on the ACMG/AMP criteria applied, as specified by the ClinGen LGMD VCEP (LGMD VCEP specifications version 1.0.0; 07/29/2025): PVS1, PM3, PP1_Moderate, PP4_Moderate, PM2_Supporting.

Natera, Inc.
Classification: Pathogenic for Limb-girdle muscular dystrophy type 2B. Last evaluated: 2025-07-23. Review status: criteria provided, single submitter. Criteria: Natera Variant Classification Schema (03/2026). Collection method: clinical testing. Allele origin: germline. Not counted in ClinVar's aggregate classification.
Comment: The c.331C>T variant in DYSF is a nonsense variant predicted to introduce a stop codon at amino acid 111. This variant is expected to result in nonsense mediated decay, truncation, or a dysfunctional protein product. This variant is rare in the general population with a frequency below the threshold expected for the associated phenotype(s). This variant has been observed in one or more individuals affected with the associated recessive disease, as either homozygous or compound heterozygous with a second variant (PMID: 21522182). Additionally, this variant has been observed to segregate in affected family members (PMID: 21522182). Given the available evidence, this variant is classified as Pathogenic.

Labcorp Genetics (formerly Invitae), Labcorp
Classification: Pathogenic for Neuromuscular disease caused by qualitative or quantitative defects of dysferlin. Last evaluated: 2025-02-13. Review status: criteria provided, single submitter. Criteria: Invitae Variant Classification Sherloc (09022015). Collection method: clinical testing. Allele origin: germline. Not counted in ClinVar's aggregate classification.
Comment: This sequence change creates a premature translational stop signal (p.Gln111*) in the DYSF gene. It is expected to result in an absent or disrupted protein product. Loss-of-function variants in DYSF are known to be pathogenic (PMID: 17698709, 20301480). This variant is not present in population databases (gnomAD no frequency). This premature translational stop signal has been observed in individual(s) with DYSF-related conditions (PMID: 21522182, 31066050). This variant is also known as c.334C>T, p.Gln112Ter. ClinVar contains an entry for this variant (Variation ID: 265108). For these reasons, this variant has been classified as Pathogenic.

Kariminejad - Najmabadi Pathology & Genetics Center
Classification: Pathogenic for Autosomal recessive limb-girdle muscular dystrophy type 2B. Last evaluated: 2024-07-13. Review status: criteria provided, single submitter. Criteria: ACMG Guidelines, 2015. Collection method: clinical testing. Allele origin: germline. Inheritance: Autosomal recessive inheritance. Affected: yes. Not counted in ClinVar's aggregate classification.
Comment: PVS1,PM2_M,PM3_M,PS3_SP?

Fulgent Genetics
Classification: Pathogenic for Autosomal recessive limb-girdle muscular dystrophy type 2B; Miyoshi muscular dystrophy 1; Distal myopathy with anterior tibial onset. Last evaluated: 2024-03-14. Review status: criteria provided, single submitter. Criteria: ACMG Guidelines, 2015. Collection method: clinical testing. Allele origin: germline. Not counted in ClinVar's aggregate classification.

Kariminejad - Najmabadi Pathology & Genetics Center
Classification: Pathogenic for Miyoshi muscular dystrophy 1; Autosomal recessive limb-girdle muscular dystrophy type 2B; Distal myopathy with anterior tibial onset. Last evaluated: 2023-05-21. Review status: criteria provided, single submitter. Criteria: ACMG Guidelines, 2015. Collection method: clinical testing. Allele origin: germline. Inheritance: Autosomal recessive inheritance. Affected: yes. Not counted in ClinVar's aggregate classification.
Comment: PVS1- PM2- PP5

Baylor Genetics
Classification: Pathogenic for Miyoshi muscular dystrophy 1. Last evaluated: 2023-03-04. Review status: criteria provided, single submitter. Criteria: ACMG Guidelines, 2015. Collection method: clinical testing. Allele origin: unknown. Not counted in ClinVar's aggregate classification.

Broad Center for Mendelian Genomics, Broad Institute of MIT and Harvard
Classification: Pathogenic for Autosomal recessive limb-girdle muscular dystrophy type 2B. Last evaluated: 2018-12-03. Review status: criteria provided, single submitter. Criteria: ACMG Guidelines, 2015. Collection method: research. Allele origin: germline. Inheritance: Autosomal recessive inheritance. Affected: yes. Not counted in ClinVar's aggregate classification.
Comment: The homozygous p.Gln112Ter variant in DYSF was identified by our study in two unrelated individuals with limb-girdle muscular dystrophy (LGMD). This variant was absent from large popoulation studies. Functional assays of dysferlien protein levels in muscle biopsies from 3 individuals with the variant in the homozygous or heterozygous state and LGMD provide some evidence that the p.Gln112Ter variant may impact protein function (PMID: 21522182). This nonsense variant leads to a premature termination codon at position 112, which is predicted to lead to a truncated or absent protein. This alteration is then predicted to lead to a truncated or absent protein. Loss of function of the DYSF gene is an established disease mechanism in autosomal recessive LGMD, and this is a loss of function variant. This variant has also been reported pathogenic in ClinVar (Variation ID: 265108). In summary, this variant meets criteria to be classified as pathogenic for LGMD in an autosomal recessive manner based on the predicted impact of the variant. ACMG/AMP Criteria applied: PM2, PVS1, PS3_Supporting (Richards 2015).

GeneDx
Classification: Pathogenic. Last evaluated: 2015-11-04. Review status: criteria provided, single submitter. Criteria: GeneDx Variant Classification (06012015). Collection method: clinical testing. Allele origin: germline. Affected: yes. Not counted in ClinVar's aggregate classification.
Comment: The Q111X pathogenic variant in the DYSF gene has been reported previously in association with various dysferlinopathies in several patients who were either homozygous for the Q111X variant or compound heterozygous for the Q111X variant and another variant in the DYSF gene (Cacciottolo et al., 2011). Individuals homozygous for the Q111X variant showed an absence of dysferlin in their skeletal muscle (Cacciottolo et al., 2011). This variant is predicted to cause loss of normal protein function either through protein truncation or nonsense-mediated mRNA decay. The Q111X variant was not observed in approximately 6,500 individuals of European and African American ancestry in the NHLBI Exome Sequencing Project, indicating it is not a common benign variant in these populations. We interpret Q111X as a pathogenic variant.

Eurofins Ntd Llc (ga)
Classification: Pathogenic. Last evaluated: 2015-09-14. Review status: criteria provided, single submitter. Criteria: EGL Classification Definitions 2015. Collection method: clinical testing. Allele origin: germline. Observed: 1 variant allele, 1 homozygote. Not counted in ClinVar's aggregate classification.

Department of Neurology, Guangzhou First People’s Hospital, School of Medicine, South China University of Technology
Classification: Pathogenic for Miyoshi muscular dystrophy 1. Last evaluated: 2019-07-01. Review status: no assertion criteria provided. Collection method: reference population. Allele origin: paternal. Affected: yes. Not counted in ClinVar's aggregate classification.

Literature cited by the submitters: PubMed 21522182 (cited by 3 submitters); PubMed 17698709 (cited by Labcorp Genetics (formerly Invitae), Labcorp); PubMed 20301480 (cited by Labcorp Genetics (formerly Invitae), Labcorp); PubMed 31066050 (cited by Labcorp Genetics (formerly Invitae), Labcorp).